The following is an entry in ClinVar:

ClinVar aggregate classification (germline): Benign. Review status: criteria provided, multiple submitters, no conflicts (2 of 4 stars). 15 submissions from 15 submitters: Benign (9). 6 of the submissions do not count toward it. Last evaluated 2026-07-01.

Conditions:
Glycogen storage disease, type II (IOPD). Also called: POMPE DISEASE, INFANTILE-ONSET; GLYCOGEN STORAGE DISEASE II, INFANTILE-ONSET; ACID ALPHA-GLUCOSIDASE DEFICIENCY, INFANTILE-ONSET; GAA DEFICIENCY, INFANTILE-ONSET; ACID MALTASE DEFICIENCY, INFANTILE-ONSET; Glucosidase acid-1,4-alpha deficiency. Identifiers: Orphanet 365, MedGen C0017921, MONDO:0009290, OMIM 232300.

Allele frequency attached by ClinVar (database versions not stated): 1000 Genomes Project 30x 0.60166; 1000 Genomes Project 0.60443; TOPMed 0.63532; gnomAD 0.65487 and 0.65510; ESP Exome Variant Server 0.69076; gnomAD exomes 0.69477 and 0.71464; ExAC 0.75026.
gnomAD v4.1: 1,130,504 of 1,594,892 alleles (71%); highest among the groups gnomAD compares: Middle Eastern, 80%; 403,769 homozygotes.

Submissions (15):

Genomenon, Inc
Classification: Benign for Glycogen storage disease, type II. Last evaluated: 2026-07-01. Review status: criteria provided, single submitter. Criteria: Genomenon Sequence Variant Interpretation Standards - Updated. Collection method: curation. Allele origin: germline. Affected: no.
Comment: GAA c.955+12G>A is an intronic variant located in intron 5. This variant is present at high allele frequency in population databases. We classify GAA c.955+12G>A as a benign variant.

Labcorp Genetics (formerly Invitae), Labcorp
Classification: Benign for Glycogen storage disease, type II. Last evaluated: 2026-02-04. Review status: criteria provided, single submitter. Criteria: Invitae Variant Classification Sherloc (09022015). Collection method: clinical testing. Allele origin: germline.

Blueprint Genetics
Classification: Benign. Last evaluated: 2024-11-28. Review status: criteria provided, single submitter. Criteria: ACMG Guidelines, 2015. Collection method: clinical testing. Allele origin: germline.

Genome-Nilou Lab
Classification: Benign for Glycogen storage disease, type II. Last evaluated: 2021-06-10. Review status: criteria provided, single submitter. Criteria: ACMG Guidelines, 2015. Collection method: clinical testing. Allele origin: germline. Affected: no.

Eurofins Ntd Llc (ga)
Classification: Benign. Last evaluated: 2018-09-04. Review status: criteria provided, single submitter. Criteria: EGL ClinVar v180209 classification definitions. Collection method: clinical testing. Allele origin: germline. Observed: 118 variant alleles, 63 heterozygotes, 55 homozygotes.

Illumina Laboratory Services, Illumina
Classification: Benign for Glycogen storage disease, type II. Last evaluated: 2018-01-13. Review status: criteria provided, single submitter. Criteria: ICSL Variant Classification Criteria 13 December 2019. Collection method: clinical testing. Allele origin: germline.
Comment: This variant was observed in the ICSL laboratory as part of a predisposition screen in an ostensibly healthy population. It had not been previously curated by ICSL or reported in the Human Gene Mutation Database (HGMD: prior to June 1st, 2018), and was therefore a candidate for classification through an automated scoring system. Utilizing variant allele frequency, disease prevalence and penetrance estimates, and inheritance mode, an automated score was calculated to assess if this variant is too frequent to cause the disease. Based on the score and internal cut-off values, a variant classified as benign is not then subjected to further curation. The score for this variant resulted in a classification of benign for this disease.

GeneDx
Classification: Benign. Last evaluated: 2015-03-03. Review status: criteria provided, single submitter. Criteria: GeneDx Variant Classification Process June 2021. Collection method: clinical testing. Allele origin: germline. Affected: yes.

Breakthrough Genomics
Classification: Benign. Review status: criteria provided, single submitter. Criteria: ACMG Guidelines, 2015. Collection method: not provided. Allele origin: germline. Inheritance: Autosomal recessive inheritance. Affected: yes.

PreventionGenetics, part of Exact Sciences
Classification: Benign. Review status: criteria provided, single submitter. Criteria: ACMG Guidelines, 2015. Collection method: clinical testing. Allele origin: germline.

Mayo Clinic Laboratories, Mayo Clinic
Classification: Benign. Last evaluated: 2015-10-19. Review status: no assertion criteria provided. Collection method: clinical testing. Allele origin: unknown. Not counted in ClinVar's aggregate classification.

Clinical Genetics DNA and cytogenetics Diagnostics Lab, Erasmus MC, Erasmus Medical Center
Classification: Benign. Review status: no assertion criteria provided. Collection method: clinical testing. Allele origin: germline. Affected: yes. Study: VKGL Data-share Consensus. Not counted in ClinVar's aggregate classification.

Diagnostic Laboratory, Department of Genetics, University Medical Center Groningen
Classification: Benign for Glycogen storage disease, type II. Review status: no assertion criteria provided. Collection method: clinical testing. Allele origin: germline. Affected: yes. Study: VKGL Data-share Consensus. Not counted in ClinVar's aggregate classification.

Genome Diagnostics Laboratory, University Medical Center Utrecht
Classification: Benign. Review status: no assertion criteria provided. Collection method: clinical testing. Allele origin: germline. Affected: yes. Study: VKGL Data-share Consensus. Not counted in ClinVar's aggregate classification.

Joint Genome Diagnostic Labs from Nijmegen and Maastricht, Radboudumc and MUMC+
Classification: Benign. Review status: no assertion criteria provided. Collection method: clinical testing. Allele origin: germline. Affected: yes. Study: VKGL Data-share Consensus. Not counted in ClinVar's aggregate classification.

Department of Pathology and Laboratory Medicine, Sinai Health System
Classification: Uncertain significance. Review status: flagged submission. Collection method: clinical testing. Allele origin: unknown. Affected: yes. Study: The Canadian Open Genetics Repository (COGR). Not counted in ClinVar's aggregate classification.
Comment: multiple AR variants in same gene - keep for nowAllele frequency is common in at least one population database (frequency: 82.703% in ExAC) based on the frequency threshold of 2.76% for this gene.Variant was observed in a homozygous state in population databases more than expected for disease.5 reputable source/s reports the variant as benign, but the evidence is not available to the laboratory to perform an independent evaluation.A synonymous variant not located in a splice region.
ClinVar note: Reason: Outlier claim with insufficient supporting evidence

NM_000152.5(GAA):c.955+12G>A

Gene: GAA (alpha glucosidase; plus strand). Cytogenetic location: 17q25.3.
Variant type: single nucleotide variant.
Coding change: c.955+12G>A on transcript NM_000152.5 (MANE Select); 12 bases into the intron after coding-DNA position 955, G replaced by A.
Molecular consequence: intron variant.
Genome position (GRCh38, 1-based): chr17:80,107,908, G>A. VCF-style: chr17-80107908-G-A. GRCh37 (hg19) VCF-style: chr17-78081707-G-A.
Other names: c.955+12G>A (NM_001079803.3, NM_001079804.3, LRG_673t1).
Identifiers: ClinVar variation 92491 (VCV000092491.30), dbSNP rs2252455, ClinGen allele CA145798.